The following is an entry in ClinVar:

NM_004526.4(MCM2):c.301G>A (p.Asp101Asn)

Gene: MCM2 (minichromosome maintenance complex component 2; plus strand). Cytogenetic location: 3q21.3.
Variant type: single nucleotide variant.
Coding change: c.301G>A on transcript NM_004526.4 (MANE Select); coding-DNA position 301, G replaced by A.
Protein change: p.Asp101Asn; replaces aspartic acid 101 with asparagine.
Molecular consequence: missense variant. On other transcripts: non-coding transcript variant (1).
Genome position (GRCh38, 1-based): chr3:127,604,672, G>A. VCF-style: chr3-127604672-G-A. GRCh37 (hg19) VCF-style: chr3-127323515-G-A.
Other names: short protein forms D101N.
Identifiers: ClinVar variation 2114948 (VCV002114948.4), dbSNP rs2473275465, ClinGen allele CA354382574.
Genomic context (GRCh38, chr3:127,604,672, plus strand): 5'-TACCGCGCCATCCCAGAGCTGGACGCCTATGAGGCCGAGGGACTGGCTCTGGATGATGAG[G>A]ACGTAGAGGAGCTGACGGCCAGTCAGAGGGAGGCAGCAGAGCGGGCCATGCGGCAGCGTG-3'
Protein context (NP_004517.2, residues 91-111): EAEGLALDDE[Asp101Asn]VEELTASQRE

ClinVar aggregate classification (germline): Uncertain significance (1 of 4 stars; one submission).

Submission:

Labcorp Genetics (formerly Invitae), Labcorp
Classification: Uncertain significance. Last evaluated: 2022-11-03. Review status: criteria provided, single submitter. Criteria: Invitae Variant Classification Sherloc (09022015). Collection method: clinical testing. Allele origin: germline.
Comment: In summary, the available evidence is currently insufficient to determine the role of this variant in disease. Therefore, it has been classified as a Variant of Uncertain Significance. Algorithms developed to predict the effect of missense changes on protein structure and function are either unavailable or do not agree on the potential impact of this missense change (SIFT: "Deleterious"; PolyPhen-2: "Possibly Damaging"; Align-GVGD: "Class C0"). This sequence change replaces aspartic acid, which is acidic and polar, with asparagine, which is neutral and polar, at codon 101 of the MCM2 protein (p.Asp101Asn). This variant is not present in population databases (gnomAD no frequency). This variant has not been reported in the literature in individuals affected with MCM2-related conditions.